The following is an entry in ClinVar:

NM_001129.5(AEBP1):c.1543G>C (p.Val515Leu)

Gene: AEBP1 (AE binding protein 1; plus strand). Cytogenetic location: 7p13.
Variant type: single nucleotide variant.
Coding change: c.1543G>C on transcript NM_001129.5 (MANE Select); coding-DNA position 1543, G replaced by C.
Protein change: p.Val515Leu; replaces valine 515 with leucine.
Molecular consequence: missense variant.
Genome position (GRCh38, 1-based): chr7:44,110,970, G>C. VCF-style: chr7-44110970-G-C. GRCh37 (hg19) VCF-style: chr7-44150569-G-C.
Other names: short protein forms V515L.
Identifiers: ClinVar variation 1383473 (VCV001383473.6), dbSNP rs753952775, ClinGen allele CA4237928.

ClinVar aggregate classification (germline): Uncertain significance (1 of 4 stars; one submission).

Allele frequency attached by ClinVar (database versions not stated): gnomAD 0.00001.

Submission:

Labcorp Genetics (formerly Invitae), Labcorp
Classification: Uncertain significance. Last evaluated: 2021-09-26. Review status: criteria provided, single submitter. Criteria: Invitae Variant Classification Sherloc (09022015). Collection method: clinical testing. Allele origin: germline.
Comment: In summary, the available evidence is currently insufficient to determine the role of this variant in disease. Therefore, it has been classified as a Variant of Uncertain Significance. Algorithms developed to predict the effect of missense changes on protein structure and function are either unavailable or do not agree on the potential impact of this missense change (SIFT: "Deleterious"; PolyPhen-2: "Benign"; Align-GVGD: "Class C0"). This variant has not been reported in the literature in individuals affected with AEBP1-related conditions. This variant is present in population databases (rs753952775, ExAC 0.01%). This sequence change replaces valine with leucine at codon 515 of the AEBP1 protein (p.Val515Leu). The valine residue is moderately conserved and there is a small physicochemical difference between valine and leucine.